The following is an entry in ClinVar:

NM_153704.6(TMEM67):c.376A>C (p.Lys126Gln)

Gene: TMEM67 (transmembrane protein 67; plus strand). Cytogenetic location: 8q22.1.
Variant type: single nucleotide variant.
Coding change: c.376A>C on transcript NM_153704.6 (MANE Select); coding-DNA position 376, A replaced by C.
Protein change: p.Lys126Gln; replaces lysine 126 with glutamine.
Molecular consequence: missense variant. On other transcripts: 5 prime UTR variant (1), non-coding transcript variant (1).
Genome position (GRCh38, 1-based): chr8:93,758,546, A>C. VCF-style: chr8-93758546-A-C. GRCh37 (hg19) VCF-style: chr8-94770774-A-C.
Other names: c.-2A>C (NM_001142301.1); short protein forms K126Q.
Identifiers: ClinVar variation 1355132 (VCV001355132.8), dbSNP rs2130545126, ClinGen allele CA371685871.

ClinVar aggregate classification (germline): Uncertain significance (1 of 4 stars; one submission).

Conditions:
Joubert syndrome. Also called: CEREBELLOPARENCHYMAL DISORDER IV; JOUBERT-BOLTSHAUSER SYNDROME; Familial aplasia of the vermis. Identifiers: Orphanet 475, MedGen C5979921, MONDO:0018772.
Meckel-Gruber syndrome. Also called: DYSENCEPHALIA SPLANCHNOCYSTICA; GRUBER SYNDROME; Dysencephalia splachnocystica. Identifiers: Orphanet 564, MedGen C0265215, MONDO:0018921.

Submission:

Labcorp Genetics (formerly Invitae), Labcorp
Classification: Uncertain significance for Joubert syndrome; Meckel-Gruber syndrome. Last evaluated: 2021-05-19. Review status: criteria provided, single submitter. Criteria: Invitae Variant Classification Sherloc (09022015). Collection method: clinical testing. Allele origin: germline.
Comment: In summary, the available evidence is currently insufficient to determine the role of this variant in disease. Therefore, it has been classified as a Variant of Uncertain Significance. Algorithms developed to predict the effect of missense changes on protein structure and function (SIFT, PolyPhen-2, Align-GVGD) all suggest that this variant is likely to be tolerated, but these predictions have not been confirmed by published functional studies and their clinical significance is uncertain. This variant has not been reported in the literature in individuals with TMEM67-related conditions. This variant is not present in population databases (ExAC no frequency). This sequence change replaces lysine with glutamine at codon 126 of the TMEM67 protein (p.Lys126Gln). The lysine residue is moderately conserved and there is a small physicochemical difference between lysine and glutamine.